The following is an entry in ClinVar:

ClinVar aggregate classification (germline): Uncertain significance (1 of 4 stars; one submission).

Conditions:
NSD1-related disorder. Also called: NSD1-related condition.

Submission:

PreventionGenetics, part of Exact Sciences
Classification: Uncertain significance for NSD1-related condition. Last evaluated: 2025-03-26. Review status: criteria provided, single submitter. Criteria: ACMG Guidelines, 2015. Collection method: clinical testing. Allele origin: germline.
Comment: The NSD1 c.787A>C variant is predicted to result in the amino acid substitution p.Thr263Pro. To our knowledge, this variant has not been reported in the literature or in a large population database (gnomAD), indicating this variant is rare. At this time, the clinical significance of this variant is uncertain due to the absence of conclusive functional and genetic evidence.

NM_022455.5(NSD1):c.787A>C (p.Thr263Pro)

Gene: NSD1 (nuclear receptor binding SET domain protein 1; plus strand). Cytogenetic location: 5q35.3.
Variant type: single nucleotide variant.
Coding change: c.787A>C on transcript NM_022455.5 (MANE Select); coding-DNA position 787, A replaced by C.
Protein change: p.Thr263Pro; replaces threonine 263 with proline.
Molecular consequence: missense variant. On other transcripts: intron variant (8).
Genome position (GRCh38, 1-based): chr5:177,135,890, A>C. VCF-style: chr5-177135890-A-C. GRCh37 (hg19) VCF-style: chr5-176562891-A-C.
Other names: c.787A>C, p.Thr263Pro (NM_001409301.1, NM_001409302.1, NM_001409303.1); c.418-51A>C (NM_001409304.1); c.-36-51A>C (NM_001409305.1, NM_001409306.1, NM_001409308.1 and 4 more transcripts); short protein forms T263P.
Identifiers: ClinVar variation 4989443 (VCV004989443.1).